The following is an entry in ClinVar:

ClinVar aggregate classification (germline): Uncertain significance. Review status: criteria provided, multiple submitters, no conflicts (2 of 4 stars). 2 submissions from 2 submitters: Uncertain significance (2). Last evaluated 2024-07-31.

Allele frequency attached by ClinVar (database versions not stated): TOPMed 0.00001.

Submissions (2):

GeneDx
Classification: Uncertain significance. Last evaluated: 2024-07-31. Review status: criteria provided, single submitter. Criteria: GeneDx Variant Classification Process June 2021. Collection method: clinical testing. Allele origin: germline. Affected: yes.
Comment: In silico analysis supports that this missense variant has a deleterious effect on protein structure/function; Has not been previously published as pathogenic or benign to our knowledge

Labcorp Genetics (formerly Invitae), Labcorp
Classification: Uncertain significance. Last evaluated: 2022-08-15. Review status: criteria provided, single submitter. Criteria: Invitae Variant Classification Sherloc (09022015). Collection method: clinical testing. Allele origin: germline.
Comment: This sequence change replaces glycine, which is neutral and non-polar, with aspartic acid, which is acidic and polar, at codon 687 of the UNC80 protein (p.Gly687Asp). This variant is present in population databases (no rsID available, gnomAD 0.008%). This variant has not been reported in the literature in individuals affected with UNC80-related conditions. Algorithms developed to predict the effect of missense changes on protein structure and function are either unavailable or do not agree on the potential impact of this missense change (SIFT: "Not Available"; PolyPhen-2: "Probably Damaging"; Align-GVGD: "Not Available"). In summary, the available evidence is currently insufficient to determine the role of this variant in disease. Therefore, it has been classified as a Variant of Uncertain Significance.

NM_001371986.1(UNC80):c.2060G>A (p.Gly687Asp)

Gene: UNC80 (unc-80 homolog, NALCN channel complex subunit; plus strand). Cytogenetic location: 2q34.
Variant type: single nucleotide variant.
Coding change: c.2060G>A on transcript NM_001371986.1 (MANE Select); coding-DNA position 2060, G replaced by A.
Protein change: p.Gly687Asp; replaces glycine 687 with aspartic acid.
Molecular consequence: missense variant.
Genome position (GRCh38, 1-based): chr2:209,820,408, G>A. VCF-style: chr2-209820408-G-A. GRCh37 (hg19) VCF-style: chr2-210685132-G-A.
Other names: c.2060G>A, p.Gly687Asp (NM_032504.2, NM_182587.4); c.2060G>A (NM_032504.1); short protein forms G687D.
Identifiers: ClinVar variation 1921175 (VCV001921175.3), dbSNP rs1022031617, ClinGen allele CA64669338.